The following is an entry in ClinVar:

NM_000188.3(HK1):c.799G>A (p.Asp267Asn)

Gene: HK1 (hexokinase 1; plus strand). Cytogenetic location: 10q22.1.
Variant type: single nucleotide variant.
Coding change: c.799G>A on transcript NM_000188.3 (MANE Select); coding-DNA position 799, G replaced by A.
Protein change: p.Asp267Asn; replaces aspartic acid 267 with asparagine.
Molecular consequence: missense variant.
Genome position (GRCh38, 1-based): chr10:69,369,548, G>A. VCF-style: chr10-69369548-G-A. GRCh37 (hg19) VCF-style: chr10-71129304-G-A.
Other names: c.811G>A, p.Asp271Asn (NM_001322364.2, NM_001358263.1, NM_033497.3 and 1 more transcripts); c.904G>A, p.Asp302Asn (NM_001322365.2); c.715G>A, p.Asp239Asn (NM_001322366.1); c.703G>A, p.Asp235Asn (NM_001322367.1); c.796G>A, p.Asp266Asn (NM_033496.3); c.763G>A, p.Asp255Asn (NM_033500.2); short protein forms D271N, D235N, D239N, D267N, D302N, D255N, D266N.
Identifiers: ClinVar variation 2140602 (VCV002140602.4), dbSNP rs1007923552, ClinGen allele CA209238766.

ClinVar aggregate classification (germline): Uncertain significance (1 of 4 stars; one submission).

Submission:

Labcorp Genetics (formerly Invitae), Labcorp
Classification: Uncertain significance. Last evaluated: 2022-02-28. Review status: criteria provided, single submitter. Criteria: Invitae Variant Classification Sherloc (09022015). Collection method: clinical testing. Allele origin: germline.
Comment: Algorithms developed to predict the effect of missense changes on protein structure and function output the following: SIFT: "Tolerated"; PolyPhen-2: "Benign"; Align-GVGD: "Class C0". The asparagine amino acid residue is found in multiple mammalian species, which suggests that this missense change does not adversely affect protein function. In summary, the available evidence is currently insufficient to determine the role of this variant in disease. Therefore, it has been classified as a Variant of Uncertain Significance. This variant has not been reported in the literature in individuals affected with HK1-related conditions. This variant is present in population databases (no rsID available, gnomAD 0.003%). This sequence change replaces aspartic acid, which is acidic and polar, with asparagine, which is neutral and polar, at codon 267 of the HK1 protein (p.Asp267Asn).